The following is an entry in ClinVar:

NM_000214.3(JAG1):c.388-14T>A

Gene: JAG1 (jagged canonical Notch ligand 1; minus strand). Cytogenetic location: 20p12.2.
Variant type: single nucleotide variant.
Coding change: c.388-14T>A on transcript NM_000214.3 (MANE Select); 14 bases into the intron before coding-DNA position 388, T replaced by A.
Molecular consequence: intron variant.
Genome position (GRCh38, 1-based): chr20:10,664,028, A>T on the plus strand (T>A on the coding strand, the complement: JAG1 is on the minus strand). VCF-style: chr20-10664028-A-T. GRCh37 (hg19) VCF-style: chr20-10644676-A-T.
Identifiers: ClinVar variation 2991826 (VCV002991826.3), dbSNP rs1374389007, ClinGen allele CA2740097014.

ClinVar aggregate classification (germline): Uncertain significance (1 of 4 stars; one submission).

Conditions:
Alagille syndrome due to a JAG1 point mutation. Also called: HEPATIC DUCTULAR HYPOPLASIA, SYNDROMATIC; Alagille Syndrome 1; JAG1-Related Alagille Syndrome. Identifiers: Orphanet 261619, Orphanet 52, MedGen C1956125, MONDO:0016862, OMIM 118450.

Submission:

Labcorp Genetics (formerly Invitae), Labcorp
Classification: Uncertain significance for Alagille syndrome due to a JAG1 point mutation. Last evaluated: 2023-10-17. Review status: criteria provided, single submitter. Criteria: Invitae Variant Classification Sherloc (09022015). Collection method: clinical testing. Allele origin: germline.
Comment: This sequence change falls in intron 2 of the JAG1 gene. It does not directly change the encoded amino acid sequence of the JAG1 protein. This variant is not present in population databases (gnomAD no frequency). This variant has not been reported in the literature in individuals affected with JAG1-related conditions. Algorithms developed to predict the effect of sequence changes on RNA splicing suggest that this variant may disrupt the consensus splice site. In summary, the available evidence is currently insufficient to determine the role of this variant in disease. Therefore, it has been classified as a Variant of Uncertain Significance.